The following is an entry in ClinVar:

NM_020297.4(ABCC9):c.4512+778C>A

Genes: ABCC9 (ATP binding cassette subfamily C member 9; minus strand), KCNJ8-AS1 (KCNJ8 antisense RNA 1; plus strand). Cytogenetic location: 12p12.1.
Variant type: single nucleotide variant.
Coding change: c.4512+778C>A on transcript NM_020297.4 (MANE Select); 778 bases into the intron after coding-DNA position 4512, C replaced by A.
Molecular consequence: intron variant. On other transcripts: missense variant (1).
Genome position (GRCh38, 1-based): chr12:21,805,220, G>T on the plus strand (C>A on the coding strand, the complement: ABCC9 is on the minus strand). VCF-style: chr12-21805220-G-T. GRCh37 (hg19) VCF-style: chr12-21958154-G-T.
Other names: c.4604C>A, p.Ala1535Asp (NM_005691.4); c.3645+778C>A (NM_001377274.1); c.4512+778C>A (NM_001377273.1); short protein forms A1535D.
Identifiers: ClinVar variation 810744 (VCV000810744.3), dbSNP rs572721907, ClinGen allele CA6480805.

ClinVar aggregate classification (germline): Conflicting classifications of pathogenicity. Review status: criteria provided, conflicting classifications (1 of 4 stars). 2 submissions from 2 submitters: Uncertain significance (1); Likely benign (1). Last evaluated 2023-01-20.

Conditions:
Hypertrophic cardiomyopathy. Also called: HYPERTROPHIC MYOCARDIOPATHY. Identifiers: Orphanet 217569, MedGen C0007194, MeSH D002312, MONDO:0005045, HP:0001639.

Allele frequency attached by ClinVar (database versions not stated): gnomAD exomes 0.00002 and 0.00006; gnomAD 0.00003 and 0.00004; TOPMed 0.00003; ExAC 0.00005.
gnomAD v4.1: 31 of 1,613,974 alleles (0.0019%); highest among the groups gnomAD compares: East Asian, 0.062%; no homozygotes.

Submissions (2):

Blueprint Genetics
Classification: Likely benign. Last evaluated: 2023-01-20. Review status: criteria provided, single submitter. Criteria: ACMG Guidelines, 2015. Collection method: clinical testing. Allele origin: germline.

Agnes Ginges Centre for Molecular Cardiology, Centenary Institute
Classification: Uncertain significance for Hypertrophic cardiomyopathy. Last evaluated: 2018-10-05. Review status: criteria provided, single submitter. Criteria: ACMG Guidelines, 2015. Collection method: research. Allele origin: germline. Inheritance: Autosomal dominant inheritance. Affected: yes.
Comment: This variant has been identified as part of our research program. Refer to the 'condition' field for the phenotype of the proband(s) identified with this variant. For further information please feel free to contact us.